The following is an entry in ClinVar:

NM_000426.4(LAMA2):c.5562+5G>C

Gene: LAMA2 (laminin subunit alpha 2; plus strand). Cytogenetic location: 6q22.33.
Variant type: single nucleotide variant.
Coding change: c.5562+5G>C on transcript NM_000426.4 (MANE Select); 5 bases into the intron after coding-DNA position 5562, G replaced by C.
Molecular consequence: intron variant.
Genome position (GRCh38, 1-based): chr6:129,401,345, G>C. VCF-style: chr6-129401345-G-C. GRCh37 (hg19) VCF-style: chr6-129722490-G-C.
Other names: c.5562+5G>C (NM_001079823.2).
Identifiers: ClinVar variation 197024 (VCV000197024.64), dbSNP rs771046502, ClinGen allele CA275231.

ClinVar aggregate classification (germline): Pathogenic/Likely pathogenic. Review status: criteria provided, multiple submitters, no conflicts (2 of 4 stars). 11 submissions from 11 submitters: Pathogenic (7); Likely pathogenic (3). 1 of the submissions does not count toward it. Last evaluated 2026-03-02.

Conditions:
LAMA2-related disorder. Also called: LAMA2-related disorders; LAMA2-related condition.
Muscular dystrophy, limb-girdle, autosomal recessive 23. Identifiers: Orphanet 565837, MedGen C4748327, MONDO:0029136, OMIM 618138.
Merosin deficient congenital muscular dystrophy (MDC1A). Also called: Congenital merosin-deficient muscular dystrophy 1A; Congenital Muscular Dystrophy Type 1A (MDC1A). Identifiers: Orphanet 258, MedGen C1263858, MONDO:0011925, OMIM 607855.
LAMA2-related muscular dystrophy (LAMA2-RD). Also called: Laminin alpha 2-related dystrophy. Identifiers: MedGen C5679788, MONDO:0100228.

Allele frequency attached by ClinVar (database versions not stated): ExAC 0.00002; gnomAD 0.00002; gnomAD exomes 0.00002 and 0.00006; TOPMed 0.00003.
gnomAD v4.1: 88 of 1,530,258 alleles (0.0058%); highest among the groups gnomAD compares: Non-Finnish European, 0.0073%; no homozygotes.

Submissions (11):

Institute of Human Genetics, University of Leipzig Medical Center
Classification: Pathogenic for Muscular dystrophy, limb-girdle, autosomal recessive 23. Last evaluated: 2026-03-02. Review status: criteria provided, single submitter. Criteria: ACMG Guidelines, 2015. Collection method: clinical testing. Allele origin: unknown. Inheritance: Autosomal recessive inheritance. Affected: yes.
Comment: Criteria applied: PM2,PM3,PP3,PS1

GeneDx
Classification: Pathogenic. Last evaluated: 2026-02-12. Review status: criteria provided, single submitter. Criteria: GeneDx Variant Classification Process June 2021. Collection method: clinical testing. Allele origin: germline.
Comment: RNA studies demonstrate a damaging effect with the insertion of 11 nucleotides in the transcript leading to the generation of a premature stop codon (PMID: 37038535); Not observed at significant frequency in large population cohorts (gnomAD); In silico analysis supports a deleterious effect on splicing; This variant is associated with the following publications: (PMID: 25525159, 10611118, 20207543, 31127727, 12552556, 37864479, 37038535, 37476021, 39941024, 28688748, 32153140, 39103709)

Labcorp Genetics (formerly Invitae), Labcorp
Classification: Pathogenic for LAMA2-related muscular dystrophy. Last evaluated: 2025-06-12. Review status: criteria provided, single submitter. Criteria: Invitae Variant Classification Sherloc (09022015). Collection method: clinical testing. Allele origin: germline.
Comment: This sequence change falls in intron 38 of the LAMA2 gene. It does not directly change the encoded amino acid sequence of the LAMA2 protein. It affects a nucleotide within the consensus splice site. This variant is present in population databases (rs771046502, gnomAD 0.006%). This variant has been observed in individual(s) with muscular dystrophy (PMID: 10611118, 12552556, 20207543). In at least one individual the data is consistent with being in trans (on the opposite chromosome) from a pathogenic variant. This variant is also known as IVS37+5G>C or c.5611+5G>C. ClinVar contains an entry for this variant (Variation ID: 197024). Variants that disrupt the consensus splice site are a relatively common cause of aberrant splicing (PMID: 17576681, 9536098). Algorithms developed to predict the effect of sequence changes on RNA splicing suggest that this variant may disrupt the consensus splice site. For these reasons, this variant has been classified as Pathogenic.

Blueprint Genetics
Classification: Likely pathogenic for LAMA2-related disorders. Last evaluated: 2024-09-13. Review status: criteria provided, single submitter. Criteria: ACMG Guidelines, 2015. Collection method: clinical testing. Allele origin: germline. Affected: yes. Observed: 5 variant alleles.

Revvity Omics, Revvity
Classification: Pathogenic. Last evaluated: 2024-05-03. Review status: criteria provided, single submitter. Criteria: ACMG Guidelines, 2015. Collection method: clinical testing. Allele origin: germline.

Baylor Genetics
Classification: Pathogenic for Merosin deficient congenital muscular dystrophy. Last evaluated: 2024-02-22. Review status: criteria provided, single submitter. Criteria: ACMG Guidelines, 2015. Collection method: clinical testing. Allele origin: unknown.

Fulgent Genetics
Classification: Pathogenic for Merosin deficient congenital muscular dystrophy; Muscular dystrophy, limb-girdle, autosomal recessive 23. Last evaluated: 2021-11-06. Review status: criteria provided, single submitter. Criteria: ACMG Guidelines, 2015. Collection method: clinical testing. Allele origin: unknown.

CeGaT Center for Human Genetics Tuebingen
Classification: Likely pathogenic. Last evaluated: 2020-12-01. Review status: criteria provided, single submitter. Criteria: CeGaT Center For Human Genetics Tuebingen Variant Classification Criteria Version 2. Collection method: clinical testing. Allele origin: germline. Affected: yes. Observed: 3 variant alleles.

Eurofins Ntd Llc (ga)
Classification: Pathogenic. Last evaluated: 2014-08-05. Review status: criteria provided, single submitter. Criteria: EGL Classification Definitions 2015. Collection method: clinical testing. Allele origin: germline. Observed: 2 variant alleles, 2 heterozygotes.

Greenwood Genetic Center Diagnostic Laboratories, Greenwood Genetic Center
Classification: Likely pathogenic for Merosin deficient congenital muscular dystrophy. Review status: criteria provided, single submitter. Criteria: ACMG Guidelines, 2015. Collection method: clinical testing. Allele origin: paternal. Affected: yes. Observed: 1 compound heterozygote.
Comment: In-house RNA studies showed this change results in the insertion of eleven nucleotides of intron 38 within the transcript (PS3, PM2, PM3, PP3)

Counsyl
Classification: Likely pathogenic for Merosin deficient congenital muscular dystrophy. Last evaluated: 2018-04-23. Review status: no assertion criteria provided. Collection method: clinical testing. Allele origin: unknown. Not counted in ClinVar's aggregate classification.

Literature cited by the submitters: PubMed 10611118 (cited by Labcorp Genetics (formerly Invitae), Labcorp and Counsyl); PubMed 12552556 (cited by Labcorp Genetics (formerly Invitae), Labcorp and Counsyl); PubMed 20207543 (cited by Labcorp Genetics (formerly Invitae), Labcorp and Counsyl); PubMed 17576681 (cited by Labcorp Genetics (formerly Invitae), Labcorp); PubMed 9536098 (cited by Labcorp Genetics (formerly Invitae), Labcorp); PubMed 25525159 (cited by Counsyl); PubMed 28688748 (cited by Counsyl).